The following is an entry in ClinVar:

ClinVar aggregate classification (germline): Uncertain significance (1 of 4 stars; one submission).

Conditions:
Acute myeloid leukemia (AML). Also called: Acute myeloid leukemia, adult; AML adult; Acute non-lymphocytic leukemia; Acute granulocytic leukemia; Leukemia, acute myeloid, somatic; Leukemia, acute myelogenous, somatic. Identifiers: Orphanet 519, MedGen C0023467, MeSH D015470, MONDO:0018874, OMIM 601626, HP:0004808. Disease mechanism: Constitutively activated FLT3.

Allele frequency attached by ClinVar (database versions not stated): gnomAD exomes below 0.00001.

Submission:

Labcorp Genetics (formerly Invitae), Labcorp
Classification: Uncertain significance for Acute myeloid leukemia. Last evaluated: 2022-07-22. Review status: criteria provided, single submitter. Criteria: Invitae Variant Classification Sherloc (09022015). Collection method: clinical testing. Allele origin: germline.
Comment: In summary, the available evidence is currently insufficient to determine the role of this variant in disease. Therefore, it has been classified as a Variant of Uncertain Significance. This variant has not been reported in the literature in individuals affected with CEBPA-related conditions. This variant is not present in population databases (gnomAD no frequency). This sequence change affects codon 33 of the CEBPA mRNA. It is a 'silent' change, meaning that it does not change the encoded amino acid sequence of the CEBPA protein.

NM_004364.5(CEBPA):c.99T>C (p.Phe33=)

Gene: CEBPA (CCAAT enhancer binding protein alpha; minus strand). Cytogenetic location: 19q13.11.
Variant type: single nucleotide variant.
Coding change: c.99T>C on transcript NM_004364.5 (MANE Select); coding-DNA position 99, T replaced by C.
Protein change: p.Phe33=; no amino-acid change (phenylalanine 33 retained).
Molecular consequence: synonymous variant. On other transcripts: 5 prime UTR variant (1).
Genome position (GRCh38, 1-based): chr19:33,302,316, A>G on the plus strand (T>C on the coding strand, the complement: CEBPA is on the minus strand). VCF-style: chr19-33302316-A-G. GRCh37 (hg19) VCF-style: chr19-33793222-A-G.
Other names: c.-259T>C (NM_001285829.2); c.204T>C, p.Phe68= (NM_001287424.2); c.57T>C, p.Phe19= (NM_001287435.2).
Identifiers: ClinVar variation 2018722 (VCV002018722.4), dbSNP rs2513333232, ClinGen allele CA507007741.
Genomic context (GRCh38, chr19:33,302,316, plus strand): 5'-GCCCAGCGGCTCCGGGGCGGCAGGTGGGGCGGGAGGCTGCGCGGGGCCCGCGCCCCGGGG[A>G]AAGCCGAAGGCGGCGCTGCTGGGCGCGTGCGGGGGGCTCTGCAGGTGGCTGCTCATCGGG-3'
Protein context (NP_004355.2, residues 23-43): PHAPSSAAFG[Phe33=]PRGAGPAQPP